The following is an entry in ClinVar:

NC_000005.10:g.112707478G>C

Genes: APC (APC regulator of Wnt signaling pathway; plus strand), LOC129994371 (ATAC-STARR-seq lymphoblastoid active region 22910; plus strand). Cytogenetic location: 5q22.2.
Variant type: single nucleotide variant.
Genome position: GRCh38 VCF-style: chr5-112707478-G-C. GRCh37 (hg19) VCF-style: chr5-112043175-G-C.
Other names: c.-240G>C (NM_001354897.2).
Identifiers: ClinVar variation 469866 (VCV000469866.15), dbSNP rs59923692, ClinGen allele CA124924769.
Genomic context (GRCh38, chr5:112,707,478, plus strand): 5'-AGCGCAGCACCCATTGCGCCTGCGCATAACAGGCTCTAGTCTCCGGGCTGTGGGAAGCCA[G>C]CAACACCTCTCACGCATGCGCATTGTAGTCTTCCCACCTCCCACAAGATGGCGGAGGGCA-3'

ClinVar aggregate classification (germline): Benign. Review status: criteria provided, multiple submitters, no conflicts (2 of 4 stars). 3 submissions from 3 submitters: Benign (3). Last evaluated 2026-02-04.

Conditions:
Familial adenomatous polyposis 1 (FAP1). Also called: FAMILIAL ADENOMATOUS POLYPOSIS 1, ATTENUATED; POLYPOSIS, ADENOMATOUS INTESTINAL. Identifiers: MedGen C2713442, MONDO:0021056, OMIM 175100. Disease mechanism: loss of function.

Allele frequency attached by ClinVar (database versions not stated): gnomAD 0.01117 and 0.01039; TOPMed 0.01153; gnomAD exomes 0.00145; 1000 Genomes Project 30x 0.01327.

Submissions (3):

Labcorp Genetics (formerly Invitae), Labcorp
Classification: Benign for Familial adenomatous polyposis 1. Last evaluated: 2026-02-04. Review status: criteria provided, single submitter. Criteria: Invitae Variant Classification Sherloc (09022015). Collection method: clinical testing. Allele origin: germline.

Center for Genomic Medicine, Rigshospitalet, Copenhagen University Hospital
Classification: Benign. Last evaluated: 2025-03-04. Review status: criteria provided, single submitter. Criteria: ACMG Guidelines, 2015. Collection method: clinical testing. Allele origin: germline.

GeneDx
Classification: Benign. Last evaluated: 2017-10-06. Review status: criteria provided, single submitter. Criteria: GeneDx Variant Classification (06012015). Collection method: clinical testing. Allele origin: germline. Affected: yes.
Comment: This variant is considered likely benign or benign based on one or more of the following criteria: it is a conservative change, it occurs at a poorly conserved position in the protein, it is predicted to be benign by multiple in silico algorithms, and/or has population frequency not consistent with disease.